The following is an entry in ClinVar:

ClinVar aggregate classification (germline): Conflicting classifications of pathogenicity. Review status: criteria provided, conflicting classifications (1 of 4 stars). 3 submissions from 3 submitters: Uncertain significance (1); Likely benign (1). 1 of the submissions does not count toward it. Last evaluated 2024-11-05.

Conditions:
BBS1-related disorder. Also called: BBS1-related condition.
Bardet-Biedl syndrome (BBS). Identifiers: Orphanet 110, MedGen C0752166, MONDO:0015229.

Allele frequency attached by ClinVar (database versions not stated): ExAC 0.00001; gnomAD 0.00001; TOPMed 0.00002.
gnomAD v4.1: 49 of 1,607,960 alleles (0.003%); highest among the groups gnomAD compares: Middle Eastern, 0.02%; no homozygotes.

Submissions (3):

Labcorp Genetics (formerly Invitae), Labcorp
Classification: Likely benign for Bardet-Biedl syndrome. Last evaluated: 2024-11-05. Review status: criteria provided, single submitter. Criteria: Invitae Variant Classification Sherloc (09022015). Collection method: clinical testing. Allele origin: germline.

Eurofins Ntd Llc (ga)
Classification: Uncertain significance. Last evaluated: 2017-03-28. Review status: criteria provided, single submitter. Criteria: EGL Classification Definitions 2015. Collection method: clinical testing. Allele origin: germline. Observed: 1 variant allele, 1 heterozygote.

PreventionGenetics, part of Exact Sciences
Classification: Likely benign for BBS1-related condition. Last evaluated: 2022-04-01. Review status: no assertion criteria provided. Collection method: clinical testing. Allele origin: germline. Not counted in ClinVar's aggregate classification.
Comment: This variant is classified as likely benign based on ACMG/AMP sequence variant interpretation guidelines (Richards et al. 2015 PMID: 25741868, with internal and published modifications).

NM_024649.5(BBS1):c.1743C>T (p.His581=)

Genes: ZDHHC24 (zDHHC palmitoyltransferase 24; minus strand), BBS1 (Bardet-Biedl syndrome 1; plus strand). Cytogenetic location: 11q13.2.
Variant type: single nucleotide variant.
Coding change: c.1743C>T on transcript NM_024649.5 (MANE Select); coding-DNA position 1743, C replaced by T.
Protein change: p.His581=; no amino-acid change (histidine 581 retained).
Molecular consequence: synonymous variant. On other transcripts: intron variant (1).
Genome position (GRCh38, 1-based): chr11:66,531,998, C>T. VCF-style: chr11-66531998-C-T. GRCh37 (hg19) VCF-style: chr11-66299469-C-T.
Other names: c.560-2510G>A (NM_001348571.2).
Identifiers: ClinVar variation 501106 (VCV000501106.16), dbSNP rs61890368, ClinGen allele CA6123881.